The following is an entry in ClinVar:

ClinVar aggregate classification (germline): Likely benign. Review status: criteria provided, multiple submitters, no conflicts (2 of 4 stars). 4 submissions from 4 submitters: Likely benign (3). 1 of the submissions does not count toward it. Last evaluated 2025-10-20.

Conditions:
Dyskeratosis congenita. Identifiers: Orphanet 1775, MedGen C0265965, MONDO:0015780.
TERT-related disorder. Also called: TERT-related condition; TERT-related disorders.
Idiopathic Pulmonary Fibrosis. Also called: Idiopathic fibrosing alveolitis, chronic form; idiopathic fibrosing alveolitis. Identifiers: Orphanet 2032, MedGen C1800706, MeSH D054990, MONDO:0800504.
Dyskeratosis congenita, autosomal dominant 2. Identifiers: MedGen C3151443, MONDO:0013521, OMIM 613989.

Allele frequency attached by ClinVar (database versions not stated): ExAC 0.00014; gnomAD exomes 0.00018; gnomAD 0.00003; TOPMed 0.00003.
gnomAD v4.1: 41 of 1,593,116 alleles (0.0026%); highest among the groups gnomAD compares: Admixed American, 0.066%; no homozygotes.

Submissions (4):

Labcorp Genetics (formerly Invitae), Labcorp
Classification: Likely benign for Dyskeratosis congenita, autosomal dominant 2; Idiopathic Pulmonary Fibrosis. Last evaluated: 2025-10-20. Review status: criteria provided, single submitter. Criteria: Invitae Variant Classification Sherloc (09022015). Collection method: clinical testing. Allele origin: germline.

Ambry Genetics
Classification: Likely benign for Dyskeratosis congenita. Last evaluated: 2025-02-27. Review status: criteria provided, single submitter. Criteria: Ambry Variant Classification Scheme 2023. Collection method: clinical testing. Allele origin: germline.

Genetic Services Laboratory, University of Chicago
Classification: Likely benign. Last evaluated: 2017-09-08. Review status: criteria provided, single submitter. Criteria: ACMG Guidelines, 2015. Collection method: clinical testing. Allele origin: germline. Affected: no.

PreventionGenetics, part of Exact Sciences
Classification: Likely benign for TERT-related condition. Last evaluated: 2024-09-15. Review status: no assertion criteria provided. Collection method: clinical testing. Allele origin: germline. Not counted in ClinVar's aggregate classification.
Comment: This variant is classified as likely benign based on ACMG/AMP sequence variant interpretation guidelines (Richards et al. 2015 PMID: 25741868, with internal and published modifications).

NM_198253.3(TERT):c.618C>T (p.Ser206=)

Gene: TERT (telomerase reverse transcriptase; minus strand). Cytogenetic location: 5p15.33.
Variant type: single nucleotide variant.
Coding change: c.618C>T on transcript NM_198253.3 (MANE Select); coding-DNA position 618, C replaced by T.
Protein change: p.Ser206=; no amino-acid change (serine 206 retained).
Molecular consequence: synonymous variant. On other transcripts: non-coding transcript variant (2).
Genome position (GRCh38, 1-based): chr5:1,294,268, G>A on the plus strand (C>T on the coding strand, the complement: TERT is on the minus strand). VCF-style: chr5-1294268-G-A. GRCh37 (hg19) VCF-style: chr5-1294383-G-A.
Other names: c.618C>T, p.Ser206= (NM_001193376.3).
Identifiers: ClinVar variation 698083 (VCV000698083.18), dbSNP rs759142412, ClinGen allele CA3184945.